The following is an entry in ClinVar:

NM_001163809.2(WDR81):c.1971C>T (p.Asp657=)

Gene: WDR81 (WD repeat domain 81; plus strand). Cytogenetic location: 17p13.3.
Variant type: single nucleotide variant.
Coding change: c.1971C>T on transcript NM_001163809.2 (MANE Select); coding-DNA position 1971, C replaced by T.
Protein change: p.Asp657=; no amino-acid change (aspartic acid 657 retained).
Molecular consequence: synonymous variant. On other transcripts: intron variant (3).
Genome position (GRCh38, 1-based): chr17:1,726,930, C>T. VCF-style: chr17-1726930-C-T. GRCh37 (hg19) VCF-style: chr17-1630224-C-T.
Other names: c.-123-1060C>T (NM_152348.4); c.59-3450C>T (NM_001163673.2); c.-15+2144C>T (NM_001163811.2).
Identifiers: ClinVar variation 730347 (VCV000730347.21), dbSNP rs572308733, ClinGen allele CA8273090.

ClinVar aggregate classification (germline): Likely benign. Review status: criteria provided, multiple submitters, no conflicts (2 of 4 stars). 3 submissions from 3 submitters: Likely benign (3). Last evaluated 2025-11-01.

Allele frequency attached by ClinVar (database versions not stated): gnomAD exomes 0.00026 and 0.00053; ExAC 0.00086; gnomAD 0.00272 and 0.00294; TOPMed 0.00299; 1000 Genomes Project 0.00419; 1000 Genomes Project 30x 0.00484.
gnomAD v4.1: 797 of 1,550,418 alleles (0.051%); highest among the groups gnomAD compares: African/African-American, 0.96%; 6 homozygotes.

Submissions (3):

CeGaT Center for Human Genetics Tuebingen
Classification: Likely benign. Last evaluated: 2025-11-01. Review status: criteria provided, single submitter. Criteria: CeGaT Center For Human Genetics Tuebingen Variant Classification Criteria Version 2. Collection method: clinical testing. Allele origin: germline. Affected: yes. Observed: 2 variant alleles.
Comment: WDR81: BP4, BP7

Blueprint Genetics
Classification: Likely benign. Last evaluated: 2024-02-19. Review status: criteria provided, single submitter. Criteria: ACMG Guidelines, 2015. Collection method: clinical testing. Allele origin: germline.

Labcorp Genetics (formerly Invitae), Labcorp
Classification: Likely benign. Last evaluated: 2019-12-31. Review status: criteria provided, single submitter. Criteria: Invitae Variant Classification Sherloc (09022015). Collection method: clinical testing. Allele origin: germline.